The following is an entry in ClinVar:

ClinVar aggregate classification (germline): Uncertain significance (1 of 4 stars; one submission).

Conditions:
Autosomal recessive limb-girdle muscular dystrophy type 2J (LGMDR10). Also called: Limb-girdle muscular dystrophy, type 2J; MUSCULAR DYSTROPHY, LIMB-GIRDLE, AUTOSOMAL RECESSIVE 10. Identifiers: Orphanet 140922, MedGen C1837342, MONDO:0012127, OMIM 608807.
Dilated cardiomyopathy 1G (CMD1G). Identifiers: Orphanet 154, MedGen C1858763, MONDO:0011400, OMIM 604145.

Submission:

Labcorp Genetics (formerly Invitae), Labcorp
Classification: Uncertain significance for Dilated cardiomyopathy 1G; Autosomal recessive limb-girdle muscular dystrophy type 2J. Last evaluated: 2022-06-20. Review status: criteria provided, single submitter. Criteria: Invitae Variant Classification Sherloc (09022015). Collection method: clinical testing. Allele origin: unknown.
Comment: In summary, the available evidence is currently insufficient to determine the role of this variant in disease. Therefore, it has been classified as a Variant of Uncertain Significance. This variant is located in the A and M band(s) of TTN (PMID: 25589632). Copy number variants in TTN have been previously reported in individuals affected with neuromuscular disorders (PMID: 29792937, 30238059), but the functional significance of this variant is currently unknown. This variant has not been reported in the literature in individuals affected with TTN-related conditions. This variant results in a copy number gain of the genomic region encompassing exons 305-363 and part of exon 304 of the TTN gene. The 5' boundary is confined to exon 304. This region includes the termination codon of the gene. This copy number gain extends beyond the assayed region for this gene and therefore may encompass additional genes. As the precise location of this event is unknown, it may be in tandem or it may be located elsewhere in the genome.

Literature cited by the submitters: PubMed 25589632; PubMed 29792937; PubMed 30238059.

NC_000002.11:g.(?_179296804)_(179454920_?)dup

Genes: TTN (titin; minus strand), FKBP7 (FKBP prolyl isomerase 7; minus strand), PLEKHA3 (pleckstrin homology domain containing A3; plus strand), PJVK (pejvakin; plus strand), PRKRA (protein activator of interferon induced protein kinase EIF2AK2; minus strand). Cytogenetic location: 2q31.2.
Variant type: Duplication.
Identifiers: ClinVar variation 3247312 (VCV003247312.1).